The following is an entry in ClinVar:

ClinVar aggregate classification (germline): Uncertain significance. Review status: criteria provided, multiple submitters, no conflicts (2 of 4 stars). 3 submissions from 3 submitters: Uncertain significance (2). 1 of the submissions does not count toward it. Last evaluated 2023-01-04.

Submissions (3):

ARUP Laboratories, Molecular Genetics and Genomics, ARUP Laboratories
Classification: Uncertain significance. Last evaluated: 2023-01-04. Review status: criteria provided, single submitter. Criteria: ARUP Molecular Germline Variant Investigation Process 2024. Collection method: clinical testing. Allele origin: germline.
Comment: The VWF c.8416T>C; p.Cys2806Arg variant (rs267607372), to our knowledge, is not reported in the medical literature but is reported in the Hemobase VWF database (see link). This variant is reported in ClinVar (Variation ID: 100509) and is absent from the Genome Aggregation Database, indicating it is not a common polymorphism. The cysteine at codon 2806 is highly conserved, and computational analyses predict that this variant is deleterious (REVEL: 0.789). However, given the lack of clinical and functional data, the significance of the p.Cys2806Arg variant is uncertain at this time. References: Hemobase VWF database

Quest Diagnostics Nichols Institute San Juan Capistrano
Classification: Uncertain significance. Last evaluated: 2021-06-17. Review status: criteria provided, single submitter. Criteria: Quest Diagnostics criteria. Collection method: clinical testing. Allele origin: unknown.

Academic Unit of Haematology, University of Sheffield
No classification provided. Review status: no classification provided. Collection method: not provided. Allele origin: not provided. Not counted in ClinVar's aggregate classification.

Literature cited by the submitters: PubMed 12737944 (cited by Quest Diagnostics Nichols Institute San Juan Capistrano); PubMed 14995987 (cited by Quest Diagnostics Nichols Institute San Juan Capistrano); PubMed 22207689 (cited by Quest Diagnostics Nichols Institute San Juan Capistrano).

NM_000552.5(VWF):c.8416T>C (p.Cys2806Arg)

Gene: VWF (von Willebrand factor; minus strand). Cytogenetic location: 12p13.31.
Variant type: single nucleotide variant.
Coding change: c.8416T>C on transcript NM_000552.5 (MANE Select); coding-DNA position 8416, T replaced by C.
Protein change: p.Cys2806Arg; replaces cysteine 2806 with arginine.
Molecular consequence: missense variant.
Genome position (GRCh38, 1-based): chr12:5,949,041, A>G on the plus strand (T>C on the coding strand, the complement: VWF is on the minus strand). VCF-style: chr12-5949041-A-G. GRCh37 (hg19) VCF-style: chr12-6058207-A-G.
Other names: short protein forms C2806R.
Identifiers: ClinVar variation 100509 (VCV000100509.4), dbSNP rs267607372, ClinGen allele CA228858.
Genomic context (GRCh38, chr12:5,949,041, plus strand): 5'-GGCAGCAGCAGGCACCCATGCAGCTGCAGCAGCCTCACTTGCTGCACTTCCTGGGGGAGC[A>G]TTTGCACTCCATGGCATTGAGAACCTCATGGTACACAACAGAGCCATTGGTGCAGTGCAG-3'
Protein context (NP_000543.3, residues 2796-2813): HEVLNAMECK[Cys2806Arg]SPRKCSK